The following is an entry in ClinVar:

NM_001267550.2(TTN):c.42235C>T (p.Arg14079Ter)

Gene: TTN (titin; minus strand). Cytogenetic location: 2q31.2.
Variant type: single nucleotide variant.
Coding change: c.42235C>T on transcript NM_001267550.2 (MANE Select); coding-DNA position 42235, C replaced by T.
Protein change: p.Arg14079Ter; replaces arginine 14079 with a stop codon.
Molecular consequence: nonsense.
Genome position (GRCh38, 1-based): chr2:178,634,546, G>A on the plus strand (C>T on the coding strand, the complement: TTN is on the minus strand). VCF-style: chr2-178634546-G-A. GRCh37 (hg19) VCF-style: chr2-179499273-G-A.
Other names: c.37312C>T, p.Arg12438Ter (NM_001256850.1); c.15040C>T, p.Arg5014Ter (NM_003319.4); c.34531C>T, p.Arg11511Ter (NM_133378.4); c.15415C>T, p.Arg5139Ter (NM_133432.3); c.15616C>T, p.Arg5206Ter (NM_133437.4); short protein forms R11511*, R12438*, R14079*, R5014*, R5139*, R5206*.
Identifiers: ClinVar variation 1176411 (VCV001176411.49), dbSNP rs745926057, ClinGen allele CA1996118.
Genomic context (GRCh38, chr2:178,634,546, plus strand): 5'-CAAATTTGTCAGATGACTTAATTATATCAGGTCCTTTGGACCATATAACATTTGCCTCTC[G>A]GGTGAGGACACATTCGAATCGAGCCTGTCGCCTTTCTGGAACAGTGACATCCTTCAGGGG-3'

ClinVar aggregate classification (germline): Pathogenic/Likely pathogenic. Review status: criteria provided, multiple submitters, no conflicts (2 of 4 stars). 9 submissions from 9 submitters: Pathogenic (1); Likely pathogenic (5). 3 of the submissions do not count toward it. Last evaluated 2026-01-01.

Conditions:
TTN-related disorder. Also called: TTN-related disorders; TTN-related condition; TTN-related disease.
Dilated cardiomyopathy 1G (CMD1G). Identifiers: Orphanet 154, MedGen C1858763, MONDO:0011400, OMIM 604145.
Autosomal recessive limb-girdle muscular dystrophy type 2J (LGMDR10). Also called: Limb-girdle muscular dystrophy, type 2J; MUSCULAR DYSTROPHY, LIMB-GIRDLE, AUTOSOMAL RECESSIVE 10. Identifiers: Orphanet 140922, MedGen C1837342, MONDO:0012127, OMIM 608807.
Cardiomyopathy (CMYO). Also called: Cardiomyopathies. Identifiers: Orphanet 167848, MedGen C0878544, MONDO:0004994, HP:0001638. Inheritance: Various modes of inheritance.

Allele frequency attached by ClinVar (database versions not stated): ExAC 0.00001.
gnomAD v4.1: 4 of 1,613,182 alleles (0.00025%); highest among the groups gnomAD compares: South Asian, 0.0022%; no homozygotes.

Submissions (9):

CeGaT Center for Human Genetics Tuebingen
Classification: Likely pathogenic. Last evaluated: 2026-01-01. Review status: criteria provided, single submitter. Criteria: CeGaT Center For Human Genetics Tuebingen Variant Classification Criteria Version 2. Collection method: clinical testing. Allele origin: germline. Affected: yes. Observed: 3 variant alleles.
Comment: TTN: PVS1:Strong, PM2, PS4:Moderate

Institute of Human Genetics, University of Leipzig Medical Center
Classification: Pathogenic for Dilated cardiomyopathy 1G. Last evaluated: 2025-11-04. Review status: criteria provided, single submitter. Criteria: ACMG Guidelines, 2015. Collection method: clinical testing. Allele origin: unknown. Inheritance: Autosomal dominant inheritance. Affected: yes.
Comment: Criteria applied: PVS1,PS4_SUP,PM2_SUP

Labcorp Genetics (formerly Invitae), Labcorp
Classification: Likely pathogenic for Dilated cardiomyopathy 1G; Autosomal recessive limb-girdle muscular dystrophy type 2J. Last evaluated: 2024-06-19. Review status: criteria provided, single submitter. Criteria: Invitae Variant Classification Sherloc (09022015). Collection method: clinical testing. Allele origin: germline.
Comment: This sequence change creates a premature translational stop signal (p.Arg14079*) in the TTN gene. While this is not anticipated to result in nonsense mediated decay, it is expected to create a truncated TTN protein. This variant is present in population databases (rs745926057, gnomAD 0.003%). This premature translational stop signal has been observed in individual(s) with dilated cardiomyopathy (PMID: 31112426, 31983221, 37652022). ClinVar contains an entry for this variant (Variation ID: 1176411). This variant is located in the I band of TTN (PMID: 25589632). Truncating variants in this region have been reported in individuals affected with autosomal recessive centronuclear myopathy (PMID: 23975875, Invitae internal data). Truncating variants in this region have also been identified in individuals affected with autosomal dominant dilated cardiomyopathy and/or cardio-related conditions (PMID: 27869827, 32964742, Invitae internal data). In summary, the currently available evidence indicates that the variant is pathogenic, but additional data are needed to prove that conclusively. Therefore, this variant has been classified as Likely Pathogenic.

Blueprint Genetics
Classification: Likely pathogenic for TTN-related disorders. Last evaluated: 2024-02-19. Review status: criteria provided, single submitter. Criteria: ACMG Guidelines, 2015. Collection method: clinical testing. Allele origin: germline. Affected: yes. Observed: 3 variant alleles.

GeneDx
Classification: Likely pathogenic. Last evaluated: 2022-11-18. Review status: criteria provided, single submitter. Criteria: GeneDx Variant Classification Process June 2021. Collection method: clinical testing. Allele origin: germline. Affected: yes.
Comment: Observed in individuals with DCM (Jansen et al., 2019; Mazzarotto et al., 2020; Amin et al., 2022); Not observed at significant frequency in large population cohorts (gnomAD); Located in a region of TTN within the I-band in which the majority of loss of function variants are significantly associated with autosomal dominant titinopathies (Deo et al., 2016; Schafer et al., 2017); This variant is associated with the following publications: (PMID: 31983221, 27535533, 36277766, 31112426)

CHEO Genetics Diagnostic Laboratory, Children's Hospital of Eastern Ontario
Classification: Likely pathogenic for Cardiomyopathy. Last evaluated: 2022-02-18. Review status: criteria provided, single submitter. Criteria: ACMG Guidelines, 2015. Collection method: clinical testing. Allele origin: germline.

Clinical Genetics DNA and cytogenetics Diagnostics Lab, Erasmus MC, Erasmus Medical Center
Classification: Likely pathogenic. Review status: no assertion criteria provided. Collection method: clinical testing. Allele origin: germline. Affected: yes. Study: VKGL Data-share Consensus. Not counted in ClinVar's aggregate classification.

Clinical Genetics, Academic Medical Center
Classification: Likely pathogenic. Review status: no assertion criteria provided. Collection method: clinical testing. Allele origin: germline. Affected: yes. Study: VKGL Data-share Consensus. Not counted in ClinVar's aggregate classification.

Genome Diagnostics Laboratory, University Medical Center Utrecht
Classification: Likely pathogenic. Review status: no assertion criteria provided. Collection method: clinical testing. Allele origin: germline. Affected: yes. Study: VKGL Data-share Consensus. Not counted in ClinVar's aggregate classification.

Literature cited by the submitters: PubMed 31112426 (cited by Labcorp Genetics (formerly Invitae), Labcorp); PubMed 31983221 (cited by Labcorp Genetics (formerly Invitae), Labcorp); PubMed 37652022 (cited by Labcorp Genetics (formerly Invitae), Labcorp); PubMed 25589632 (cited by Labcorp Genetics (formerly Invitae), Labcorp); PubMed 23975875 (cited by Labcorp Genetics (formerly Invitae), Labcorp); PubMed 27869827 (cited by Labcorp Genetics (formerly Invitae), Labcorp); PubMed 32964742 (cited by Labcorp Genetics (formerly Invitae), Labcorp).